The following is an entry in ClinVar:

ClinVar aggregate classification (germline): Uncertain significance (1 of 4 stars; one submission).

Submission:

Ambry Genetics
Classification: Uncertain significance. Last evaluated: 2021-06-23. Review status: criteria provided, single submitter. Criteria: Ambry Variant Classification Scheme 2023. Collection method: clinical testing. Allele origin: germline.
Comment: The p.P3532L variant (also known as c.10595C>T), located in coding exon 74 of the PRKDC gene, results from a C to T substitution at nucleotide position 10595. The proline at codon 3532 is replaced by leucine, an amino acid with similar properties. This amino acid position is conserved. Since supporting evidence is limited at this time, the clinical significance of this alteration remains unclear.

NM_006904.7(PRKDC):c.10595C>T (p.Pro3532Leu)

Gene: PRKDC (protein kinase, DNA-activated, catalytic subunit; minus strand). Cytogenetic location: 8q11.21.
Variant type: single nucleotide variant.
Coding change: c.10595C>T on transcript NM_006904.7 (MANE Select); coding-DNA position 10595, C replaced by T.
Protein change: p.Pro3532Leu; replaces proline 3532 with leucine.
Molecular consequence: missense variant.
Genome position (GRCh38, 1-based): chr8:47,794,365, G>A on the plus strand (C>T on the coding strand, the complement: PRKDC is on the minus strand). VCF-style: chr8-47794365-G-A. GRCh37 (hg19) VCF-style: chr8-48706926-G-A.
Other names: c.10595C>T, p.Pro3532Leu (NM_001081640.2); short protein forms P3532L.
Identifiers: ClinVar variation 1779338 (VCV001779338.2), dbSNP rs2551862006, ClinGen allele CA371133809.